The following is an entry in ClinVar:

NM_024757.5(EHMT1):c.872G>C (p.Arg291Pro)

Gene: EHMT1 (euchromatic histone lysine methyltransferase 1; plus strand). Cytogenetic location: 9q34.3.
Variant type: single nucleotide variant.
Coding change: c.872G>C on transcript NM_024757.5 (MANE Select); coding-DNA position 872, G replaced by C.
Protein change: p.Arg291Pro; replaces arginine 291 with proline.
Molecular consequence: missense variant.
Genome position (GRCh38, 1-based): chr9:137,743,419, G>C. VCF-style: chr9-137743419-G-C. GRCh37 (hg19) VCF-style: chr9-140637871-G-C.
Other names: c.872G>C, p.Arg291Pro (NM_001145527.2, NM_001354611.2); c.779G>C, p.Arg260Pro (NM_001354259.2, NM_001354612.2); c.851G>C, p.Arg284Pro (NM_001354263.2); short protein forms R284P, R260P, R291P.
Identifiers: ClinVar variation 2850293 (VCV002850293.3), dbSNP rs2136053069, ClinGen allele CA375777713.

ClinVar aggregate classification (germline): Uncertain significance (1 of 4 stars; one submission).

Conditions:
Kleefstra syndrome 1 (KLEFS1). Identifiers: Orphanet 261494, MedGen C0795833, MONDO:0027407, OMIM 610253.

Submission:

Labcorp Genetics (formerly Invitae), Labcorp
Classification: Uncertain significance for Kleefstra syndrome 1. Last evaluated: 2023-04-30. Review status: criteria provided, single submitter. Criteria: Invitae Variant Classification Sherloc (09022015). Collection method: clinical testing. Allele origin: germline.
Comment: This sequence change replaces arginine, which is basic and polar, with proline, which is neutral and non-polar, at codon 291 of the EHMT1 protein (p.Arg291Pro). This variant is not present in population databases (gnomAD no frequency). This variant has not been reported in the literature in individuals affected with EHMT1-related conditions. Advanced modeling of protein sequence and biophysical properties (such as structural, functional, and spatial information, amino acid conservation, physicochemical variation, residue mobility, and thermodynamic stability) performed at Invitae indicates that this missense variant is not expected to disrupt EHMT1 protein function. In summary, the available evidence is currently insufficient to determine the role of this variant in disease. Therefore, it has been classified as a Variant of Uncertain Significance.